The following is an entry in ClinVar:

NM_015295.3(SMCHD1):c.4153G>A (p.Gly1385Ser)

Gene: SMCHD1 (structural maintenance of chromosomes flexible hinge domain containing 1; plus strand). Cytogenetic location: 18p11.32.
Variant type: single nucleotide variant.
Coding change: c.4153G>A on transcript NM_015295.3 (MANE Select); coding-DNA position 4153, G replaced by A.
Protein change: p.Gly1385Ser; replaces glycine 1385 with serine.
Molecular consequence: missense variant.
Genome position (GRCh38, 1-based): chr18:2,750,495, G>A. VCF-style: chr18-2750495-G-A. GRCh37 (hg19) VCF-style: chr18-2750493-G-A.
Other names: short protein forms G1385S.
Identifiers: ClinVar variation 498214 (VCV000498214.10), dbSNP rs774329481, ClinGen allele CA401692347.

ClinVar aggregate classification (germline): Uncertain significance. Review status: criteria provided, multiple submitters, no conflicts (2 of 4 stars). 2 submissions from 2 submitters: Uncertain significance (2). Last evaluated 2024-03-02.

Conditions:
Facioscapulohumeral muscular dystrophy 2 (FSHD2). Also called: MUSCULAR DYSTROPHY, FACIOSCAPULOHUMERAL, TYPE 1B; FACIOSCAPULOHUMERAL MUSCULAR DYSTROPHY 2, DIGENIC; FSHD2, DIGENIC. Identifiers: Orphanet 269, MedGen C1834671, MONDO:0008031, OMIM 158901.

Allele frequency attached by ClinVar (database versions not stated): TOPMed 0.00001.
gnomAD v4.1: 3 of 1,601,130 alleles (0.00019%); highest among the groups gnomAD compares: South Asian, 0.0011%; no homozygotes.

Submissions (2):

Labcorp Genetics (formerly Invitae), Labcorp
Classification: Uncertain significance for Facioscapulohumeral muscular dystrophy 2. Last evaluated: 2024-03-02. Review status: criteria provided, single submitter. Criteria: Invitae Variant Classification Sherloc (09022015). Collection method: clinical testing. Allele origin: germline.
Comment: This sequence change replaces glycine, which is neutral and non-polar, with serine, which is neutral and polar, at codon 1385 of the SMCHD1 protein (p.Gly1385Ser). This variant is not present in population databases (gnomAD no frequency). This variant has not been reported in the literature in individuals affected with SMCHD1-related conditions. ClinVar contains an entry for this variant (Variation ID: 498214). Advanced modeling of protein sequence and biophysical properties (such as structural, functional, and spatial information, amino acid conservation, physicochemical variation, residue mobility, and thermodynamic stability) performed at Invitae indicates that this missense variant is not expected to disrupt SMCHD1 protein function with a negative predictive value of 80%. In summary, the available evidence is currently insufficient to determine the role of this variant in disease. Therefore, it has been classified as a Variant of Uncertain Significance.

Eurofins Ntd Llc (ga)
Classification: Uncertain significance. Last evaluated: 2016-10-27. Review status: criteria provided, single submitter. Criteria: EGL Classification Definitions 2015. Collection method: clinical testing. Allele origin: germline. Observed: 1 variant allele, 1 heterozygote.